The following is an entry in ClinVar:

ClinVar aggregate classification (germline): Uncertain significance (1 of 4 stars; one submission).

Conditions:
RASopathy. Also called: rasopathies; Noonan spectrum disorder. Identifiers: Orphanet 536391, MedGen C5555857, MONDO:0021060.

Submission:

Labcorp Genetics (formerly Invitae), Labcorp
Classification: Uncertain significance for RASopathy. Last evaluated: 2022-07-04. Review status: criteria provided, single submitter. Criteria: Invitae Variant Classification Sherloc (09022015). Collection method: clinical testing. Allele origin: germline.
Comment: In summary, the available evidence is currently insufficient to determine the role of this variant in disease. Therefore, it has been classified as a Variant of Uncertain Significance. Advanced modeling of protein sequence and biophysical properties (such as structural, functional, and spatial information, amino acid conservation, physicochemical variation, residue mobility, and thermodynamic stability) performed at Invitae indicates that this missense variant is not expected to disrupt PTPN11 protein function. This variant has not been reported in the literature in individuals affected with PTPN11-related conditions. This variant is not present in population databases (gnomAD no frequency). This sequence change replaces glutamine, which is neutral and polar, with proline, which is neutral and non-polar, at codon 589 of the PTPN11 protein (p.Gln589Pro).

NM_002834.5(PTPN11):c.1766A>C (p.Gln589Pro)

Gene: PTPN11 (protein tyrosine phosphatase non-receptor type 11; plus strand). Cytogenetic location: 12q24.13.
Variant type: single nucleotide variant.
Coding change: c.1766A>C on transcript NM_002834.5 (MANE Select); coding-DNA position 1766, A replaced by C.
Protein change: p.Gln589Pro; replaces glutamine 589 with proline.
Molecular consequence: missense variant.
Genome position (GRCh38, 1-based): chr12:112,504,748, A>C. VCF-style: chr12-112504748-A-C. GRCh37 (hg19) VCF-style: chr12-112942552-A-C.
Other names: c.1778A>C, p.Gln593Pro (NM_001330437.2); c.1763A>C, p.Gln588Pro (NM_001374625.1); short protein forms Q593P, Q588P, Q589P.
Identifiers: ClinVar variation 2010775 (VCV002010775.4), dbSNP rs768805690, ClinGen allele CA386784765.